The following is an entry in ClinVar:

NM_000368.5(TSC1):c.3132G>A (p.Glu1044=)

Gene: TSC1 (TSC complex subunit 1; minus strand). Cytogenetic location: 9q34.13.
Variant type: single nucleotide variant.
Coding change: c.3132G>A on transcript NM_000368.5 (MANE Select); coding-DNA position 3132, G replaced by A.
Protein change: p.Glu1044=; no amino-acid change (glutamic acid 1044 retained).
Molecular consequence: synonymous variant.
Genome position (GRCh38, 1-based): chr9:132,896,598, C>T on the plus strand (G>A on the coding strand, the complement: TSC1 is on the minus strand). VCF-style: chr9-132896598-C-T. GRCh37 (hg19) VCF-style: chr9-135771985-C-T.
Other names: c.3129G>A, p.Glu1043= (NM_001162426.2); c.2979G>A, p.Glu993= (NM_001162427.2); c.2769G>A, p.Glu923= (NM_001362177.2).
Identifiers: ClinVar variation 799271 (VCV000799271.14), dbSNP rs1588287426, ClinGen allele CA467812815.

ClinVar aggregate classification (germline): Benign/Likely benign. Review status: criteria provided, multiple submitters, no conflicts (2 of 4 stars). 3 submissions from 3 submitters: Benign (1); Likely benign (2). Last evaluated 2025-11-05.

Conditions:
Tuberous sclerosis 1 (TSC1). Identifiers: Orphanet 805, MedGen C1854465, MONDO:0008612, OMIM 191100.
Hereditary cancer-predisposing syndrome. Also called: Neoplastic Syndromes, Hereditary; Hereditary Cancer Syndrome; Tumor predisposition; Hereditary neoplastic syndrome. Identifiers: Orphanet 140162, MedGen C0027672, MeSH D009386, MONDO:0015356.

Allele frequency attached by ClinVar (database versions not stated): gnomAD exomes below 0.00001.
gnomAD v4.1: 1 of 1,613,754 alleles (0.000062%); highest among the groups gnomAD compares: Non-Finnish European, 0.000085%; no homozygotes.

Submissions (3):

Labcorp Genetics (formerly Invitae), Labcorp
Classification: Likely benign for Tuberous sclerosis 1. Last evaluated: 2025-11-05. Review status: criteria provided, single submitter. Criteria: Invitae Variant Classification Sherloc (09022015). Collection method: clinical testing. Allele origin: germline.

Myriad Genetics, Inc.
Classification: Benign for Tuberous sclerosis 1. Last evaluated: 2025-04-29. Review status: criteria provided, single submitter. Criteria: Myriad Autosomal Dominant, Autosomal Recessive and X-Linked Classification Criteria (2023). Collection method: clinical testing. Allele origin: unknown.
Comment: This variant is considered benign. This variant is a silent/synonymous amino acid change and it is not expected to impact splicing.

Ambry Genetics
Classification: Likely benign for Hereditary cancer-predisposing syndrome. Last evaluated: 2021-10-20. Review status: criteria provided, single submitter. Criteria: Ambry Variant Classification Scheme 2023. Collection method: clinical testing. Allele origin: germline.